The following is an entry in ClinVar:

ClinVar aggregate classification (germline): Likely benign. Review status: criteria provided, multiple submitters, no conflicts (2 of 4 stars). 2 submissions from 2 submitters: Likely benign (2). Last evaluated 2023-08-21.

Conditions:
ALG6-congenital disorder of glycosylation 1C (CDG1C). Also called: CDG Ic; CARBOHYDRATE-DEFICIENT GLYCOPROTEIN SYNDROME, TYPE I, WITH DEFICIENT GLYCOSYLATION OF DOLICHOL-LINKED OLIGOSACCHARIDE; CARBOHYDRATE-DEFICIENT GLYCOPROTEIN SYNDROME, TYPE V; Congenital disorder of glycosylation type 1C; Congenital disorder of glycosylation, type Ic. Identifiers: Orphanet 79320, MedGen C2930997, MONDO:0011291, OMIM 603147.

gnomAD v4.1: 1 of 1,613,758 alleles (0.000062%); highest among the groups gnomAD compares: Non-Finnish European, 0.000085%; no homozygotes.

Submissions (2):

Labcorp Genetics (formerly Invitae), Labcorp
Classification: Likely benign for ALG6-congenital disorder of glycosylation 1C. Last evaluated: 2023-08-21. Review status: criteria provided, single submitter. Criteria: Invitae Variant Classification Sherloc (09022015). Collection method: clinical testing. Allele origin: germline.

GeneDx
Classification: Likely benign. Last evaluated: 2016-12-13. Review status: criteria provided, single submitter. Criteria: GeneDx Variant Classification (06012015). Collection method: clinical testing. Allele origin: germline. Affected: yes.
Comment: This variant is considered likely benign or benign based on one or more of the following criteria: it is a conservative change, it occurs at a poorly conserved position in the protein, it is predicted to be benign by multiple in silico algorithms, and/or has population frequency not consistent with disease.

NM_013339.4(ALG6):c.1443C>T (p.Asn481=)

Gene: ALG6 (ALG6 alpha-1,3-glucosyltransferase; plus strand). Cytogenetic location: 1p31.3.
Variant type: single nucleotide variant.
Coding change: c.1443C>T on transcript NM_013339.4 (MANE Select); coding-DNA position 1443, C replaced by T.
Protein change: p.Asn481=; no amino-acid change (asparagine 481 retained).
Molecular consequence: synonymous variant.
Genome position (GRCh38, 1-based): chr1:63,436,939, C>T. VCF-style: chr1-63436939-C-T. GRCh37 (hg19) VCF-style: chr1-63902610-C-T.
Other names: c.1443C>T, p.Asn481= (LRG_1260t1).
Identifiers: ClinVar variation 391430 (VCV000391430.8), dbSNP rs1057524080, ClinGen allele CA16603730.
Genomic context (GRCh38, chr1:63,436,939, plus strand): 5'-TCCTCCTCAGAAACTACCGGACTTGTTTTCTGTATTGGTGTGTTTTGTATCTTGCTTGAA[C>T]TTCCTGTTCTTCTTGGTATACTTTAACATTATTATTATGTGGGATTCCAAAAGTGGAAGA-3'
Protein context (NP_037471.2, residues 471-491): SVLVCFVSCL[Asn481=]FLFFLVYFNI